The following is an entry in ClinVar:

ClinVar aggregate classification (germline): Uncertain significance. Review status: criteria provided, multiple submitters, no conflicts (2 of 4 stars). 2 submissions from 2 submitters: Uncertain significance (2). Last evaluated 2025-11-04.

Allele frequency attached by ClinVar (database versions not stated): TOPMed 0.00001; ExAC 0.00002; gnomAD 0.00003.

Submissions (2):

Labcorp Genetics (formerly Invitae), Labcorp
Classification: Uncertain significance. Last evaluated: 2025-11-04. Review status: criteria provided, single submitter. Criteria: Invitae Variant Classification Sherloc (09022015). Collection method: clinical testing. Allele origin: germline.
Comment: This sequence change replaces arginine, which is basic and polar, with glutamine, which is neutral and polar, at codon 508 of the LZTS1 protein (p.Arg508Gln). This variant is present in population databases (rs773139007, gnomAD 0.004%). This variant has not been reported in the literature in individuals affected with LZTS1-related conditions. ClinVar contains an entry for this variant (Variation ID: 1903214). Invitae Evidence Modeling of protein sequence and biophysical properties (such as structural, functional, and spatial information, amino acid conservation, physicochemical variation, residue mobility, and thermodynamic stability) indicates that this missense variant is not expected to disrupt LZTS1 protein function with a negative predictive value of 80%. In summary, the available evidence is currently insufficient to determine the role of this variant in disease. Therefore, it has been classified as a Variant of Uncertain Significance.

Ambry Genetics
Classification: Uncertain significance. Last evaluated: 2025-07-15. Review status: criteria provided, single submitter. Criteria: Ambry Variant Classification Scheme 2023. Collection method: clinical testing. Allele origin: germline.

NM_021020.5(LZTS1):c.1523G>A (p.Arg508Gln)

Gene: LZTS1 (leucine zipper tumor suppressor 1; minus strand). Cytogenetic location: 8p21.3.
Variant type: single nucleotide variant.
Coding change: c.1523G>A on transcript NM_021020.5 (MANE Select); coding-DNA position 1523, G replaced by A.
Protein change: p.Arg508Gln; replaces arginine 508 with glutamine.
Molecular consequence: missense variant.
Genome position (GRCh38, 1-based): chr8:20,249,990, C>T on the plus strand (G>A on the coding strand, the complement: LZTS1 is on the minus strand). VCF-style: chr8-20249990-C-T. GRCh37 (hg19) VCF-style: chr8-20107501-C-T.
Other names: c.1523G>A, p.Arg508Gln (NM_001362884.2); short protein forms R508Q.
Identifiers: ClinVar variation 1903214 (VCV001903214.7), dbSNP rs773139007, ClinGen allele CA4657249.